The following is an entry in ClinVar:

ClinVar aggregate classification (germline): Pathogenic/Likely pathogenic. Review status: criteria provided, multiple submitters, no conflicts (2 of 4 stars). 3 submissions from 3 submitters: Pathogenic (2); Likely pathogenic (1). Last evaluated 2025-09-24.

Conditions:
Bronchiectasis with or without elevated sweat chloride 1 (BESC1). Also called: Cystic Fibrosis-Like Syndrome. Identifiers: Orphanet 60033, MedGen C2749757, MONDO:0008887, OMIM 211400.
CFTR-related disorder (CFTR-RD). Also called: CFTR-related disorders; CFTR-related condition. Identifiers: MedGen C5924204, MONDO:7770004.
Cystic fibrosis (CF). Also called: MUCOVISCIDOSIS. Identifiers: Orphanet 586, MedGen C0010674, MONDO:0009061, OMIM 219700. Disease mechanism: loss of function.

Submissions (3):

Genesolutions, Medical Genetics Institutes, Ho Chi Minh City, Vietnam
Classification: Pathogenic for Cystic fibrosis. Last evaluated: 2025-09-24. Review status: criteria provided, single submitter. Criteria: ACMG Guidelines, 2015. Collection method: clinical testing. Allele origin: germline. Affected: yes.

Natera, Inc.
Classification: Pathogenic for CFTR-related disorders. Last evaluated: 2024-08-29. Review status: criteria provided, single submitter. Criteria: Natera Variant Classification Schema (03/2026). Collection method: clinical testing. Allele origin: germline.
Comment: The c.2490+1G>C variant in CFTR is a canonical splice donor site variant predicted to affect pre-mRNA splicing, which may result in an abnormal transcript and altered protein product. This variant is expected to result in nonsense mediated decay, truncation, or a dysfunctional protein product. This variant is rare in the general population with a frequency below the threshold expected for the associated phenotype(s). Another variant at this same site results in an alteration predicted to cause a similar molecular effect has been observed in individual(s) with the associated phenotype. Given the available evidence, this variant is classified as Pathogenic.

Baylor Genetics
Classification: Likely pathogenic for Bronchiectasis with or without elevated sweat chloride 1. Last evaluated: 2023-07-08. Review status: criteria provided, single submitter. Criteria: ACMG Guidelines, 2015. Collection method: clinical testing. Allele origin: unknown.

NM_000492.4(CFTR):c.2490+1G>C

Gene: CFTR (CF transmembrane conductance regulator; plus strand). Cytogenetic location: 7q31.2.
Variant type: single nucleotide variant.
Coding change: c.2490+1G>C on transcript NM_000492.4 (MANE Select); the canonical splice donor site of the intron after coding-DNA position 2490, G replaced by C.
Molecular consequence: splice donor variant.
Genome position (GRCh38, 1-based): chr7:117,592,658, G>C. VCF-style: chr7-117592658-G-C. GRCh37 (hg19) VCF-style: chr7-117232712-G-C.
Other names: c.2490+1G>C (NM_000492.3).
Identifiers: ClinVar variation 2680700 (VCV002680700.3), dbSNP rs141158996, ClinGen allele CA368981824.
Genomic context (GRCh38, chr7:117,592,658, plus strand): 5'-AGGTTATCTCAAGAAACTGGCTTGGAAATAAGTGAAGAAATTAACGAAGAAGACTTAAAG[G>C]TAGGTATACATCGCTTGGGGGTATTTCACCCCACAGAATGCAATTGAGTAGAATGCAATA-3'